The following is an entry in ClinVar:

ClinVar aggregate classification (germline): Benign. Review status: criteria provided, multiple submitters, no conflicts (2 of 4 stars). 2 submissions from 2 submitters: Benign (2). Last evaluated 2018-06-14.

Allele frequency attached by ClinVar (database versions not stated): TOPMed 0.48737; gnomAD 0.49453 and 0.49946; 1000 Genomes Project 0.50439; gnomAD exomes 0.53382.
gnomAD v4.1: 285,586 of 546,196 alleles (52%); highest among the groups gnomAD compares: South Asian, 62%; 76,224 homozygotes.

Submissions (6):

GeneDx
Classification: Benign. Last evaluated: 2018-06-14. Review status: criteria provided, single submitter. Criteria: GeneDx Variant Classification (06012015). Collection method: clinical testing. Allele origin: germline. Affected: yes.
Comment: This variant is considered likely benign or benign based on one or more of the following criteria: it is a conservative change, it occurs at a poorly conserved position in the protein, it is predicted to be benign by multiple in silico algorithms, and/or has population frequency not consistent with disease.

Breakthrough Genomics
Classification: Benign. Review status: criteria provided, single submitter. Criteria: ACMG Guidelines, 2015. Collection method: not provided. Allele origin: germline. Inheritance: Autosomal recessive inheritance. Affected: yes.

Dr. Peter K. Rogan Lab, Western University
No classification provided (evidence only). Condition: Cholangiocarcinoma. Review status: no classification provided. Collection method: in vitro. Allele origin: not applicable. Functional consequence: retained intron. Not counted in ClinVar's aggregate classification.

Dr. Peter K. Rogan Lab, Western University
No classification provided (evidence only). Condition: Cholangiocarcinoma. Review status: no classification provided. Collection method: in vitro. Allele origin: not applicable. Functional consequence: skipped exon, retained intron. Not counted in ClinVar's aggregate classification.

Dr. Peter K. Rogan Lab, Western University
No classification provided (evidence only). Condition: Gastric cancer. Review status: no classification provided. Collection method: in vitro. Allele origin: not applicable. Functional consequence: retained intron. Not counted in ClinVar's aggregate classification.

Dr. Peter K. Rogan Lab, Western University
No classification provided (evidence only). Condition: Uterine carcinosarcoma. Review status: no classification provided. Collection method: in vitro. Allele origin: not applicable. Functional consequence: retained intron. Not counted in ClinVar's aggregate classification.

NM_025233.7(COASY):c.700+230G>T

Gene: COASY (Coenzyme A synthase; plus strand). Cytogenetic location: 17q21.2.
Variant type: single nucleotide variant.
Coding change: c.700+230G>T on transcript NM_025233.7 (MANE Select); 230 bases into the intron after coding-DNA position 700, G replaced by T.
Molecular consequence: intron variant.
Genome position (GRCh38, 1-based): chr17:42,563,552, G>T. VCF-style: chr17-42563552-G-T. GRCh37 (hg19) VCF-style: chr17-40715570-G-T.
Other names: NC_000017.10:g.40715570G>T; c.787+230G>T (NM_001042532.4); c.700+230G>T (NM_001042529.3).
Identifiers: ClinVar variation 669471 (VCV000669471.3), dbSNP rs666039, ClinGen allele CA15891577.